The following is an entry in ClinVar:

ClinVar aggregate classification (germline): Uncertain significance. Review status: criteria provided, multiple submitters, no conflicts (2 of 4 stars). 2 submissions from 2 submitters: Uncertain significance (2). Last evaluated 2025-03-10.

Conditions:
Cardiomyopathy (CMYO). Also called: Cardiomyopathies. Identifiers: Orphanet 167848, MedGen C0878544, MONDO:0004994, HP:0001638. Inheritance: Various modes of inheritance.
Hypertrophic cardiomyopathy. Also called: HYPERTROPHIC MYOCARDIOPATHY. Identifiers: Orphanet 217569, MedGen C0007194, MeSH D002312, MONDO:0005045, HP:0001639.

Submissions (2):

Color Diagnostics, LLC DBA Color Health
Classification: Uncertain significance for Cardiomyopathy. Last evaluated: 2025-03-10. Review status: criteria provided, single submitter. Criteria: ACMG Guidelines, 2015. Collection method: clinical testing. Allele origin: germline.
Comment: This missense variant replaces isoleucine with threonine at codon 42 of the MYL3 protein. Computational prediction suggests that this variant may not impact protein structure and function (internally defined REVEL score threshold <= 0.5, PMID: 27666373). To our knowledge, functional studies have not been reported for this variant. This variant has not been reported in individuals affected with MYL3-related disorders in the literature. This variant has not been identified in the general population by the Genome Aggregation Database (gnomAD). The available evidence is insufficient to determine the role of this variant in disease conclusively. Therefore, this variant is classified as a Variant of Uncertain Significance.

All of Us Research Program, National Institutes of Health
Classification: Uncertain significance for Hypertrophic cardiomyopathy. Last evaluated: 2023-06-26. Review status: criteria provided, single submitter. Criteria: ACMG Guidelines, 2015. Collection method: clinical testing. Allele origin: germline. Inheritance: Autosomal dominant inheritance. Observed: 1 variant allele, 1 heterozygote.
Comment: This missense variant replaces isoleucine with threonine at codon 42 of the MYL3 protein. Computational prediction suggests that this variant may not impact protein structure and function (internally defined REVEL score threshold <= 0.5, PMID: 27666373). To our knowledge, functional studies have not been reported for this variant. This variant has not been reported in individuals affected with MYL3-related disorders in the literature. This variant has not been identified in the general population by the Genome Aggregation Database (gnomAD). The available evidence is insufficient to determine the role of this variant in disease conclusively. Therefore, this variant is classified as a Variant of Uncertain Significance.

This study involves interpretation of variants in research participants for the purpose of population health screening. Participant phenotype was not available at the time of variant classification. Additional details can be found in publication PMID: 35346344, PMCID: PMC8962531

NM_000258.3(MYL3):c.125T>C (p.Ile42Thr)

Gene: MYL3 (myosin light chain 3; minus strand). Cytogenetic location: 3p21.31.
Variant type: single nucleotide variant.
Coding change: c.125T>C on transcript NM_000258.3 (MANE Select); coding-DNA position 125, T replaced by C.
Protein change: p.Ile42Thr; replaces isoleucine 42 with threonine.
Molecular consequence: missense variant.
Genome position (GRCh38, 1-based): chr3:46,863,266, A>G on the plus strand (T>C on the coding strand, the complement: MYL3 is on the minus strand). VCF-style: chr3-46863266-A-G. GRCh37 (hg19) VCF-style: chr3-46904756-A-G.
Other names: c.125T>C, p.Ile42Thr (NM_001406938.1, NM_001406939.1, NM_001406937.1); short protein forms I42T.
Identifiers: ClinVar variation 3072175 (VCV003072175.2), dbSNP rs2544971826, ClinGen allele CA352499472.